The following is an entry in ClinVar:

ClinVar aggregate classification (germline): Conflicting classifications of pathogenicity. Review status: criteria provided, conflicting classifications (1 of 4 stars). 2 submissions from 2 submitters: Likely pathogenic (1); Uncertain significance (1). Last evaluated 2026-05-26.

Conditions:
MYH7-related disorder. Also called: MYH7-related condition; MYH7-related disease; MYH7-related disorders.

Submissions (2):

PreventionGenetics, part of Exact Sciences
Classification: Likely pathogenic for MYH7-related condition. Last evaluated: 2026-05-26. Review status: criteria provided, single submitter. Criteria: ACMG Guidelines, 2015. Collection method: clinical testing. Allele origin: germline.
Comment: The MYH7 c.2727C>G variant is predicted to result in the amino acid substitution p.Ile909Met. This variant has been reported in an individual with hypertrophic cardiomyopathy (Olivotto et al. 2008. PubMed ID: 18533079) and an individual with restrictive cardiomyopathy (Kostareva et al. 2016. PubMed ID: 27662471). This variant has also been documented in two individuals in Sarcomeric Human Cardiomyopathy Registry (SHaRe), an international repository of individuals with cardiomyopathy (Dataset S1, Homburger et al. 2016. PubMed ID: 27247418). This variant is located in a hotspot region for hypertrophic cardiomyopathy (residues 167-931, Walsh et al. 2019. PubMed ID: 30696458). This variant has not been reported in a large population database (gnomAD), indicating this variant is rare. An alternate missense change at the same amino acid position (p.Ile909Val) has been reported in an individual with hypertrophic cardiomyopathy (Table S8, McGurk et al. 2023. PubMed ID: 37652022). Taken together, the c.2727C>G (p.Ile909Met) variant is interpreted as likely pathogenic.

GeneDx
Classification: Uncertain significance. Last evaluated: 2014-09-08. Review status: criteria provided, single submitter. Criteria: GeneDx Variant Classification (06012015). Collection method: clinical testing. Allele origin: germline. Affected: yes.
Comment: p.Ile909Met (ATC>ATG): c.2727 C>G in exon 23 of the MYH7 gene (NM_000257.2). A variant of unknown significance has been identified in the MYH7 gene. (Olivotto et al., 2008; Di Donna et al., 2010). I909M was absent from 300 control chromosomes. Complete information on segregation analysis was not reported (Olivotto et al., 2008). A variant at the same residue (I909V) was classified as a polymorphism because it did not co-segregate with subjects who had an unequivocal HCM phenotype (Woo et al., 2003). The I909M variant is a conservative amino acid substitution, which is not likely to impact secondary protein structure as these residues share similar properties. However, this substitution occurs at a position that is conserved across species, and in silico analysis predicts this variant is probably damaging to the protein structure/function. Additionally, missense mutations in nearby residues (E903G, E903K, R904H, R904C, C905R, C905F, D906G, L908V, K910Q) have been reported in association with cardiomyopathy, supporting the functional importance of this region of the protein. Furthermore, the I909M variant was not observed in approximately 6,500 individuals of European and African American ancestry in the NHLBI Exome Sequencing Project, indicating it is not a common benign variant in these populations. Therefore, based on the currently available information, it is unclear whether this variant is a pathogenic mutation or a rare benign variant. The variant is found in HCM panel(s).

NM_000257.4(MYH7):c.2727C>G (p.Ile909Met)

Gene: MYH7 (myosin heavy chain 7; minus strand). Cytogenetic location: 14q11.2.
Variant type: single nucleotide variant.
Coding change: c.2727C>G on transcript NM_000257.4 (MANE Select); coding-DNA position 2727, C replaced by G.
Protein change: p.Ile909Met; replaces isoleucine 909 with methionine.
Molecular consequence: missense variant.
Genome position (GRCh38, 1-based): chr14:23,424,102, G>C on the plus strand (C>G on the coding strand, the complement: MYH7 is on the minus strand). VCF-style: chr14-23424102-G-C. GRCh37 (hg19) VCF-style: chr14-23893311-G-C.
Other names: p.I909M:ATC>ATG; c.2727C>G (LRG_384t1, NM_000257.3); short protein forms I909M.
Identifiers: ClinVar variation 181378 (VCV000181378.3), dbSNP rs377722048, ClinGen allele CA012975.